The following is an entry in ClinVar:

ClinVar aggregate classification (germline): Likely pathogenic (1 of 4 stars; one submission).

Conditions:
Methylcobalamin deficiency type cblG (HMAG). Also called: HOMOCYSTINURIA-MEGALOBLASTIC ANEMIA DUE TO DEFECT IN COBALAMIN METABOLISM, cblG COMPLEMENTATION TYPE; HOMOCYSTINURIA-MEGALOBLASTIC ANEMIA, cblG TYPE; HOMOCYSTINURIA-MEGALOBLASTIC ANEMIA, cblG COMPLEMENTATION TYPE; Functional methionine synthase deficiency type cblG. Identifiers: Orphanet 2170, Orphanet 622, MedGen C1855128, MONDO:0009609, OMIM 250940.

Allele frequency attached by ClinVar (database versions not stated): gnomAD exomes below 0.00001; TOPMed below 0.00001; gnomAD 0.00001.
gnomAD v4.1: 3 of 1,613,716 alleles (0.00019%); highest among the groups gnomAD compares: Non-Finnish European, 0.00025%; no homozygotes.

Submission:

Labcorp Genetics (formerly Invitae), Labcorp
Classification: Likely pathogenic for Methylcobalamin deficiency type cblG. Last evaluated: 2023-06-25. Review status: criteria provided, single submitter. Criteria: Invitae Variant Classification Sherloc (09022015). Collection method: clinical testing. Allele origin: germline.
Comment: This variant is not present in population databases (gnomAD no frequency). This sequence change affects an acceptor splice site in intron 21 of the MTR gene. It is expected to disrupt RNA splicing. Variants that disrupt the donor or acceptor splice site typically lead to a loss of protein function (PMID: 16199547), and loss-of-function variants in MTR are known to be pathogenic (PMID: 9683607, 12068375). Disruption of this splice site has been observed in individual(s) with homocystinuria, cblG type (PMID: 25526710). In summary, the currently available evidence indicates that the variant is pathogenic, but additional data are needed to prove that conclusively. Therefore, this variant has been classified as Likely Pathogenic. Algorithms developed to predict the effect of sequence changes on RNA splicing suggest that this variant may disrupt the consensus splice site.

Literature cited by the submitters: PubMed 16199547; PubMed 9683607; PubMed 12068375; PubMed 25526710.

NM_000254.3(MTR):c.2305-2A>G

Gene: MTR (5-methyltetrahydrofolate-homocysteine methyltransferase; plus strand). Cytogenetic location: 1q43.
Variant type: single nucleotide variant.
Coding change: c.2305-2A>G on transcript NM_000254.3 (MANE Select); the canonical splice acceptor site of the intron before coding-DNA position 2305, A replaced by G.
Molecular consequence: splice acceptor variant.
Genome position (GRCh38, 1-based): chr1:236,863,452, A>G. VCF-style: chr1-236863452-A-G. GRCh37 (hg19) VCF-style: chr1-237026752-A-G.
Other names: c.2152-2A>G (NM_001291939.1); c.2305-2A>G (NM_001410942.1); c.1084-2A>G (NM_001291940.2).
Identifiers: ClinVar variation 2734114 (VCV002734114.3), dbSNP rs1664661129, ClinGen allele CA345378200.